The following is an entry in ClinVar:

ClinVar aggregate classification (germline): Pathogenic (1 of 4 stars; one submission).

Conditions:
POLG-related disorder. Also called: POLG-Related Spectrum Disorders; POLG-related condition; POLG-Related Disorders. Identifiers: MedGen C4763519.

Submission:

Myriad Genetics, Inc.
Classification: Pathogenic for POLG-related disorder. Last evaluated: 2025-07-14. Review status: criteria provided, single submitter. Criteria: Myriad Autosomal Dominant, Autosomal Recessive and X-Linked Classification Criteria (2023). Collection method: clinical testing. Allele origin: unknown.
Comment: NM_002693.2(POLG):c.124_125insAGCA(R42Qfs*203) is expected to be pathogenic in the context of POLG-related disorders. This variant is predicted to lead to an abnormal or absent protein product due to the creation of a premature termination codon in POLG, a gene where loss-of-function variants are known to be pathogenic. Please note: this variant was assessed in the context of healthy population screening.

NM_002693.3(POLG):c.124_125insAGCA (p.Arg42fs)

Genes: POLG (DNA polymerase gamma, catalytic subunit; minus strand), POLGARF (POLG alternative reading frame; minus strand). Cytogenetic location: 15q26.1.
Variant type: Insertion.
Coding change: c.124_125insAGCA on transcript NM_002693.3 (MANE Select); coding-DNA positions 124 to 125, AGCA inserted.
Protein change: p.Arg42fs; shifts the reading frame from arginine 42.
Molecular consequence: frameshift variant.
Genome position: GRCh38 VCF-style: chr15-89333630-C-CTGCT. GRCh37 (hg19) VCF-style: chr15-89876861-C-CTGCT.
Other names: c.179_180insAGCA, p.Ala62fs (NM_001430120.1); c.124_125insAGCA, p.Arg42fs (NM_001126131.2); short protein forms A62fs, R42fs.
Identifiers: ClinVar variation 5014734 (VCV005014734.1).